The following is an entry in ClinVar:

ClinVar aggregate classification (germline): Pathogenic/Likely pathogenic. Review status: criteria provided, multiple submitters, no conflicts (2 of 4 stars). 7 submissions from 7 submitters: Pathogenic (2); Likely pathogenic (5). Last evaluated 2026-03-03.

Conditions:
Cardiovascular phenotype. Identifiers: MedGen CN230736.
Long QT syndrome (LQTS). Identifiers: MedGen C0023976, MeSH D008133, MONDO:0002442. Disease mechanism: loss of function. Inheritance: Various modes of inheritance.
Long QT syndrome 1 (LQT1). Identifiers: Orphanet 101016, Orphanet 768, MedGen C4551647, MONDO:0100316, OMIM 192500, MONDO:0008646.

Allele frequency attached by ClinVar (database versions not stated): gnomAD exomes below 0.00001.
gnomAD v4.1: 1 of 1,555,422 alleles (0.000064%); highest among the groups gnomAD compares: Non-Finnish European, 0.000087%; no homozygotes.

Submissions (7):

Women's Health and Genetics/Laboratory Corporation of America, LabCorp
Classification: Likely pathogenic for Long QT syndrome. Last evaluated: 2026-03-03. Review status: criteria provided, single submitter. Criteria: LabCorp Variant Classification Summary - May 2015. Collection method: clinical testing. Allele origin: germline.
Comment: Variant summary: KCNQ1 c.1685+1G>A is located in a canonical splice-site and is predicted to affect mRNA splicing resulting in a significantly altered protein due to either exon skipping, shortening, or inclusion of intronic material. Variants that disrupt the consensus splice site are a relatively common cause of aberrant splicing and loss of KCNQ1 function. Several computational tools predict a significant impact on normal splicing: Three predict the variant abolishes a 5' splicing donor site. However, these predictions have yet to be confirmed by functional studies. The frequency data for this variant in gnomAD is considered unreliable, as metrics indicate poor data quality at this position. c.1685+1G>A has been observed in individual(s) affected with Long QT Syndrome without reported genotype (Schwartz_2021). These report(s) do not provide unequivocal conclusions about association of the variant with Long QT Syndrome. To our knowledge, no experimental evidence demonstrating an impact on protein function has been reported. The following publication has been ascertained in the context of this evaluation (PMID: 34505893). ClinVar contains an entry for this variant (Variation ID: 200851). Based on the evidence outlined above, the variant was classified as likely pathogenic.

Ambry Genetics
Classification: Likely pathogenic for Cardiovascular phenotype. Last evaluated: 2026-01-22. Review status: criteria provided, single submitter. Criteria: Ambry Variant Classification Scheme 2023. Collection method: clinical testing. Allele origin: germline.
Comment: The c.1685+1G>A intronic variant results from a G to A substitution one nucleotide after coding exon 13 of the KCNQ1 gene. This variant was reported in individual(s) with features consistent with KCNQ1-related long QT syndrome (Schwartz PJ et al. Eur Heart J, 2021 Dec;42:4743-4755; Ambry internal data). This variant is considered to be rare based on population cohorts in the Genome Aggregation Database (gnomAD). This nucleotide position is highly conserved in available vertebrate species. In silico splice site analysis predicts that this alteration will weaken the native splice donor site and will result in the creation or strengthening of a novel splice donor site. Variants that disrupt the canonical splice site are expected to cause aberrant splicing, resulting in an abnormal protein or a transcript that is subject to nonsense-mediated mRNA decay. As such, this variant is classified as likely pathogenic.

Labcorp Genetics (formerly Invitae), Labcorp
Classification: Likely pathogenic for Long QT syndrome. Last evaluated: 2025-12-15. Review status: criteria provided, single submitter. Criteria: Invitae Variant Classification Sherloc (09022015). Collection method: clinical testing. Allele origin: germline.
Comment: This sequence change affects a donor splice site in intron 13 of the KCNQ1 gene. It is expected to disrupt RNA splicing. Variants that disrupt the donor or acceptor splice site typically lead to a loss of protein function (PMID: 16199547), and loss-of-function variants in KCNQ1 are known to be pathogenic (PMID: 9323054, 19862833). This variant is not present in population databases (gnomAD no frequency). Disruption of this splice site has been observed in individual(s) with clinical features of Long QT Syndrome (PMID: 31737537, 34505893). ClinVar contains an entry for this variant (Variation ID: 200851). Algorithms developed to predict the effect of sequence changes on RNA splicing suggest that this variant may disrupt the consensus splice site. In summary, the currently available evidence indicates that the variant is pathogenic, but additional data are needed to prove that conclusively. Therefore, this variant has been classified as Likely Pathogenic.

Variantyx, Inc.
Classification: Likely pathogenic for Long QT syndrome 1. Last evaluated: 2025-04-15. Review status: criteria provided, single submitter. Criteria: Variantyx Assertion Criteria 2022. Collection method: clinical testing. Allele origin: germline. Inheritance: Autosomal dominant inheritance. Affected: yes.
Comment: This is a canonical splicing variant in the KCNQ1 gene (OMIM: 607542). Pathogenic variants in this gene have been associated with autosomal dominant Long QT syndrome 1. This splicing variant is expected to result in loss of function, which is a known disease mechanism for KCNQ1 in this disorder (PMID: 19862833, 29532034) (PVS1). This variant has a 0.0001% maximum allele frequency in non-founder control populations (PM2). Based on the current evidence, this variant is classified as likely pathogenic for autosomal dominant Long QT syndrome 1.

GeneDx
Classification: Pathogenic. Last evaluated: 2024-04-15. Review status: criteria provided, single submitter. Criteria: GeneDx Variant Classification Process June 2021. Collection method: clinical testing. Allele origin: germline. Affected: yes.
Comment: Not observed at significant frequency in large population cohorts (gnomAD); Canonical splice site variant predicted to result in a null allele in a gene for which loss of function is a known mechanism of disease; This variant is associated with the following publications: (PMID: 31737537, 34505893)

All of Us Research Program, National Institutes of Health
Classification: Likely pathogenic for Long QT syndrome. Last evaluated: 2024-03-14. Review status: criteria provided, single submitter. Criteria: ACMG Guidelines, 2015. Collection method: clinical testing. Allele origin: germline. Inheritance: Autosomal dominant inheritance. Observed: 1 variant allele, 1 heterozygote.
Comment: This variant causes a G>A nucleotide substitution at the +1 position of intron 13 of the KCNQ1 gene. Splice site prediction tools suggest that this variant may have a significant impact on RNA splicing. Although this prediction has not been confirmed in published RNA studies, this variant is expected to result in an absent or disrupted protein product. This variant has been reported in an individual suspected of having long QT syndrome (PMID: 31737537). This variant has not been identified in the general population by the Genome Aggregation Database (gnomAD). Loss of KCNQ1 function is a known mechanism of disease. Based on the available evidence, this variant is classified as Likely Pathogenic.

This study involves interpretation of variants in research participants for the purpose of population health screening. Participant phenotype was not available at the time of variant classification. Additional details can be found in publication PMID: 35346344, PMCID: PMC8962531

MVZ Martinsried, Medicover Genetics
Classification: Pathogenic for Long QT syndrome 1. Last evaluated: 2018-03-05. Review status: criteria provided, single submitter. Criteria: ACMG Guidelines, 2015. Collection method: clinical testing. Allele origin: unknown. Affected: yes.

Literature cited by the submitters: PubMed 34505893 (cited by 3 submitters); PubMed 16199547 (cited by Labcorp Genetics (formerly Invitae), Labcorp); PubMed 9323054 (cited by Labcorp Genetics (formerly Invitae), Labcorp); PubMed 19862833 (cited by Labcorp Genetics (formerly Invitae), Labcorp and Variantyx, Inc.); PubMed 31737537 (cited by Labcorp Genetics (formerly Invitae), Labcorp and All of Us Research Program, National Institutes of Health); PubMed 9532034 (cited by Variantyx, Inc.).

NM_000218.3(KCNQ1):c.1685+1G>A

Gene: KCNQ1 (potassium voltage-gated channel subfamily Q member 1; plus strand). Cytogenetic location: 11p15.5.
Variant type: single nucleotide variant.
Coding change: c.1685+1G>A on transcript NM_000218.3 (MANE Select); the canonical splice donor site of the intron after coding-DNA position 1685, G replaced by A.
Molecular consequence: splice donor variant.
Genome position (GRCh38, 1-based): chr11:2,776,055, G>A. VCF-style: chr11-2776055-G-A. GRCh37 (hg19) VCF-style: chr11-2797285-G-A.
Other names: c.1415+1G>A (NM_001406837.1); c.1589+1G>A (NM_001406836.1); c.1145+1G>A (NM_001406838.1); c.1304+1G>A (NM_181798.2).
Identifiers: ClinVar variation 200851 (VCV000200851.17), dbSNP rs794728531, ClinGen allele CA006170.